The following is an entry in ClinVar:

NM_001136193.2(FASTKD2):c.1684C>G (p.Leu562Val)

Gene: FASTKD2 (FAST kinase domains 2; plus strand). Cytogenetic location: 2q33.3.
Variant type: single nucleotide variant.
Coding change: c.1684C>G on transcript NM_001136193.2 (MANE Select); coding-DNA position 1684, C replaced by G.
Protein change: p.Leu562Val; replaces leucine 562 with valine.
Molecular consequence: missense variant.
Genome position (GRCh38, 1-based): chr2:206,788,026, C>G. VCF-style: chr2-206788026-C-G. GRCh37 (hg19) VCF-style: chr2-207652750-C-G.
Other names: c.1684C>G, p.Leu562Val (NM_001136194.2, NM_014929.4); short protein forms L562V.
Identifiers: ClinVar variation 1722119 (VCV001722119.3), dbSNP rs2468839667, ClinGen allele CA350082570.

ClinVar aggregate classification (germline): Uncertain significance (1 of 4 stars; one submission).

Allele frequency attached by ClinVar (database versions not stated): gnomAD exomes below 0.00001.
gnomAD v4.1: 2 of 1,613,660 alleles (0.00012%); highest among the groups gnomAD compares: Non-Finnish European, 0.00017%; no homozygotes.

Submission:

Labcorp Genetics (formerly Invitae), Labcorp
Classification: Uncertain significance. Last evaluated: 2022-08-14. Review status: criteria provided, single submitter. Criteria: Invitae Variant Classification Sherloc (09022015). Collection method: clinical testing. Allele origin: germline.
Comment: In summary, the available evidence is currently insufficient to determine the role of this variant in disease. Therefore, it has been classified as a Variant of Uncertain Significance. Algorithms developed to predict the effect of missense changes on protein structure and function are either unavailable or do not agree on the potential impact of this missense change (SIFT: "Tolerated"; PolyPhen-2: "Probably Damaging"; Align-GVGD: "Class C0"). This variant has not been reported in the literature in individuals affected with FASTKD2-related conditions. This variant is not present in population databases (gnomAD no frequency). This sequence change replaces leucine, which is neutral and non-polar, with valine, which is neutral and non-polar, at codon 562 of the FASTKD2 protein (p.Leu562Val).